The following is an entry in ClinVar:

NM_003680.4(YARS1):c.380+19A>G

Gene: YARS1 (tyrosyl-tRNA synthetase 1; minus strand). Cytogenetic location: 1p35.1.
Variant type: single nucleotide variant.
Coding change: c.380+19A>G on transcript NM_003680.4 (MANE Select); 19 bases into the intron after coding-DNA position 380, A replaced by G.
Molecular consequence: intron variant.
Genome position (GRCh38, 1-based): chr1:32,810,572, T>C on the plus strand (A>G on the coding strand, the complement: YARS1 is on the minus strand). VCF-style: chr1-32810572-T-C. GRCh37 (hg19) VCF-style: chr1-33276173-T-C.
Identifiers: ClinVar variation 510720 (VCV000510720.5), dbSNP rs961597385, ClinGen allele CA20294567.

ClinVar aggregate classification (germline): Likely benign. Review status: criteria provided, multiple submitters, no conflicts (2 of 4 stars). 2 submissions from 2 submitters: Likely benign (2). Last evaluated 2022-10-26.

Conditions:
Charcot-Marie-Tooth disease dominant intermediate C (CMTDIC). Also called: CHARCOT-MARIE-TOOTH NEUROPATHY, DOMINANT INTERMEDIATE C. Identifiers: Orphanet 100045, MedGen C1842237, MONDO:0012012, OMIM 608323.

Allele frequency attached by ClinVar (database versions not stated): gnomAD exomes below 0.00001 and 0.00002; TOPMed 0.00001.
gnomAD v4.1: 34 of 1,612,094 alleles (0.0021%); highest among the groups gnomAD compares: Non-Finnish European, 0.0027%; no homozygotes.

Submissions (2):

Labcorp Genetics (formerly Invitae), Labcorp
Classification: Likely benign for Charcot-Marie-Tooth disease dominant intermediate C. Last evaluated: 2022-10-26. Review status: criteria provided, single submitter. Criteria: Invitae Variant Classification Sherloc (09022015). Collection method: clinical testing. Allele origin: germline.

GeneDx
Classification: Likely benign. Last evaluated: 2017-07-13. Review status: criteria provided, single submitter. Criteria: GeneDx Variant Classification (06012015). Collection method: clinical testing. Allele origin: germline. Affected: yes.
Comment: This variant is considered likely benign or benign based on one or more of the following criteria: it is a conservative change, it occurs at a poorly conserved position in the protein, it is predicted to be benign by multiple in silico algorithms, and/or has population frequency not consistent with disease.